The following is an entry in ClinVar:

ClinVar aggregate classification (germline): Conflicting classifications of pathogenicity. Review status: criteria provided, conflicting classifications (1 of 4 stars). 3 submissions from 3 submitters: Uncertain significance (1); Likely benign (2). Last evaluated 2026-01-23.

Conditions:
ROR2-related disorder. Also called: ROR2-related condition; ROR2-related disorders.

Allele frequency attached by ClinVar (database versions not stated): gnomAD 0.00003; TOPMed 0.00006.
gnomAD v4.1: 69 of 1,539,272 alleles (0.0045%); highest among the groups gnomAD compares: Admixed American, 0.13%; 1 homozygote.

Submissions (3):

Labcorp Genetics (formerly Invitae), Labcorp
Classification: Likely benign. Last evaluated: 2026-01-23. Review status: criteria provided, single submitter. Criteria: Invitae Variant Classification Sherloc (09022015). Collection method: clinical testing. Allele origin: germline.

PreventionGenetics, part of Exact Sciences
Classification: Likely benign for ROR2-related condition. Last evaluated: 2025-03-11. Review status: criteria provided, single submitter. Criteria: ACMG Guidelines, 2015. Collection method: clinical testing. Allele origin: germline.
Comment: This variant is classified as likely benign based on ACMG/AMP sequence variant interpretation guidelines (Richards et al. 2015 PMID: 25741868, with internal and published modifications).

Eurofins Ntd Llc (ga)
Classification: Uncertain significance. Last evaluated: 2016-03-02. Review status: criteria provided, single submitter. Criteria: EGL Classification Definitions 2015. Collection method: clinical testing. Allele origin: germline. Observed: 1 variant allele, 1 heterozygote.

NM_004560.4(ROR2):c.51C>A (p.Ala17=)

Gene: ROR2 (ROR family WNT receptor 2; minus strand). Cytogenetic location: 9q22.31.
Variant type: single nucleotide variant.
Coding change: c.51C>A on transcript NM_004560.4 (MANE Select); coding-DNA position 51, C replaced by A.
Protein change: p.Ala17=; no amino-acid change (alanine 17 retained).
Molecular consequence: synonymous variant.
Genome position (GRCh38, 1-based): chr9:91,949,913, G>T on the plus strand (C>A on the coding strand, the complement: ROR2 is on the minus strand). VCF-style: chr9-91949913-G-T. GRCh37 (hg19) VCF-style: chr9-94712195-G-T.
Other names: c.51C>A, p.Ala17= (NM_001318204.2); c.51C>A (NM_004560.3).
Identifiers: ClinVar variation 286295 (VCV000286295.13), dbSNP rs886043361, ClinGen allele CA10605430.